The following is an entry in ClinVar:

ClinVar aggregate classification (germline): Uncertain significance (1 of 4 stars; one submission).

Submission:

GeneDx
Classification: Uncertain significance. Last evaluated: 2026-03-15. Review status: criteria provided, single submitter. Criteria: GeneDx Variant Classification Process June 2021. Collection method: clinical testing. Allele origin: germline.
Comment: Not observed at significant frequency in large population cohorts (gnomAD); In silico analysis supports that this missense variant has a deleterious effect on protein structure/function; Has not been previously published as pathogenic or benign to our knowledge

NM_003601.4(SMARCA5):c.1583G>C (p.Arg528Thr)

Gene: SMARCA5 (SNF2 related chromatin remodeling ATPase 5; plus strand). Cytogenetic location: 4q31.21.
Variant type: single nucleotide variant.
Coding change: c.1583G>C on transcript NM_003601.4 (MANE Select); coding-DNA position 1583, G replaced by C.
Protein change: p.Arg528Thr; replaces arginine 528 with threonine.
Molecular consequence: missense variant.
Genome position (GRCh38, 1-based): chr4:143,538,677, G>C. VCF-style: chr4-143538677-G-C. GRCh37 (hg19) VCF-style: chr4-144459830-G-C.
Other names: short protein forms R528T.
Identifiers: ClinVar variation 5008149 (VCV005008149.1).